The following is an entry in ClinVar:

NM_005045.4(RELN):c.5903A>T (p.Asp1968Val)

Gene: RELN (reelin; minus strand). Cytogenetic location: 7q22.1.
Variant type: single nucleotide variant.
Coding change: c.5903A>T on transcript NM_005045.4 (MANE Select); coding-DNA position 5903, A replaced by T.
Protein change: p.Asp1968Val; replaces aspartic acid 1968 with valine.
Molecular consequence: missense variant.
Genome position (GRCh38, 1-based): chr7:103,553,726, T>A on the plus strand (A>T on the coding strand, the complement: RELN is on the minus strand). VCF-style: chr7-103553726-T-A. GRCh37 (hg19) VCF-style: chr7-103194173-T-A.
Other names: c.5903A>T, p.Asp1968Val (NM_173054.3); short protein forms D1968V.
Identifiers: ClinVar variation 475974 (VCV000475974.9), dbSNP rs1284690672, ClinGen allele CA368739722.
Genomic context (GRCh38, chr7:103,553,726, plus strand): 5'-CCCTTTGAAGAATATGGACAATAAAGACCGATGTTACCACCAGGATAGAAAAACCAATTG[T>A]CTTCTCTGGGCCCAAAATCAAATGTATCCAAGAGCATCACAGGGTTGTTTACATTATTTC-3'
Protein context (NP_005036.2, residues 1958-1978): LDTFDFGPRE[Asp1968Val]NWFFYPGGNI

ClinVar aggregate classification (germline): Uncertain significance (1 of 4 stars; one submission).

Conditions:
Familial temporal lobe epilepsy 7. Identifiers: Orphanet 101046, MedGen C4225327, MONDO:0014639, OMIM 616436.
Norman-Roberts syndrome (LIS2). Also called: Lissencephaly 2 (Norman-Roberts type). Identifiers: Orphanet 89844, MedGen C0796089, MONDO:0009760, OMIM 257320.

Allele frequency attached by ClinVar (database versions not stated): TOPMed below 0.00001.
gnomAD v4.1: 10 of 1,614,140 alleles (0.00062%); highest among the groups gnomAD compares: African/African-American, 0.0013%; no homozygotes.

Submission:

Labcorp Genetics (formerly Invitae), Labcorp
Classification: Uncertain significance for Familial temporal lobe epilepsy 7; Norman-Roberts syndrome. Last evaluated: 2018-12-20. Review status: criteria provided, single submitter. Criteria: Invitae Variant Classification Sherloc (09022015). Collection method: clinical testing. Allele origin: germline.
Comment: In summary, this variant has uncertain impact on RELN function. The available evidence is currently insufficient to determine its role in disease. Therefore, it has been classified as a Variant of Uncertain Significance. Algorithms developed to predict the effect of missense changes on protein structure and function do not agree on the potential impact of this missense change (SIFT: "Deleterious"; PolyPhen-2: "Benign"; Align-GVGD: "Class C0"). This variant has not been reported in the literature in individuals with a RELN-related disease. This variant is not present in population databases (ExAC no frequency). This sequence change replaces aspartic acid with valine at codon 1968 of the RELN protein (p.Asp1968Val). The aspartic acid residue is moderately conserved and there is a large physicochemical difference between aspartic acid and valine.